The following is an entry in ClinVar:

ClinVar aggregate classification (germline): Uncertain significance (1 of 4 stars; one submission).

Submission:

Labcorp Genetics (formerly Invitae), Labcorp
Classification: Uncertain significance. Last evaluated: 2024-08-11. Review status: criteria provided, single submitter. Criteria: Invitae Variant Classification Sherloc (09022015). Collection method: clinical testing. Allele origin: germline.
Comment: This sequence change replaces lysine, which is basic and polar, with arginine, which is basic and polar, at codon 216 of the GNAS protein (p.Lys216Arg). This variant is not present in population databases (gnomAD no frequency). This variant has not been reported in the literature in individuals affected with GNAS-related conditions. Advanced modeling of protein sequence and biophysical properties (such as structural, functional, and spatial information, amino acid conservation, physicochemical variation, residue mobility, and thermodynamic stability) performed at Invitae indicates that this missense variant is not expected to disrupt GNAS protein function with a negative predictive value of 80%. In summary, the available evidence is currently insufficient to determine the role of this variant in disease. Therefore, it has been classified as a Variant of Uncertain Significance.

NM_000516.7(GNAS):c.647A>G (p.Lys216Arg)

Gene: GNAS (GNAS complex locus; plus strand). Cytogenetic location: 20q13.32.
Variant type: single nucleotide variant.
Coding change: c.647A>G on transcript NM_000516.7 (MANE Select); coding-DNA position 647, A replaced by G.
Protein change: p.Lys216Arg; replaces lysine 216 with arginine.
Molecular consequence: missense variant. On other transcripts: 3 prime UTR variant (2).
Genome position (GRCh38, 1-based): chr20:58,909,411, A>G. VCF-style: chr20-58909411-A-G. GRCh37 (hg19) VCF-style: chr20-57484466-A-G.
Other names: c.650A>G, p.Lys217Arg (NM_001077488.5); c.602A>G, p.Lys201Arg (NM_001077489.4); c.*508A>G (NM_001077490.3); c.470A>G, p.Lys157Arg (NM_001309840.2, NM_001309861.2); c.551A>G, p.Lys184Arg (NM_001410912.1); c.2531A>G, p.Lys844Arg (NM_001410913.1); c.*553A>G (NM_016592.5); c.2576A>G, p.Lys859Arg (NM_080425.4); and 1 more; short protein forms K202R, K184R, K216R, K217R, K844R, K157R, K201R, K859R.
Identifiers: ClinVar variation 3682386 (VCV003682386.2).